The following is an entry in ClinVar:

ClinVar aggregate classification (germline): Conflicting classifications of pathogenicity. Review status: criteria provided, conflicting classifications (1 of 4 stars). 2 submissions from 2 submitters: Likely pathogenic (1); Uncertain significance (1). Last evaluated 2023-02-01.

Conditions:
X-linked Alport syndrome (ATS1). Also called: NEPHROPATHY AND DEAFNESS, X-LINKED; COL4A5-Related Nephropathy. Identifiers: Orphanet 63, Orphanet 88917, MedGen C4746986, MONDO:0010520, OMIM 301050.

Allele frequency attached by ClinVar (database versions not stated): gnomAD exomes 0.00001.
gnomAD v4.1: 7 of 1,210,218 alleles (0.00058%); highest among the groups gnomAD compares: Non-Finnish European, 0.00078%; no homozygotes.

Submissions (2):

Labcorp Genetics (formerly Invitae), Labcorp
Classification: Likely pathogenic. Last evaluated: 2023-02-01. Review status: criteria provided, single submitter. Criteria: Invitae Variant Classification Sherloc (09022015). Collection method: clinical testing. Allele origin: germline.
Comment: Advanced modeling of protein sequence and biophysical properties (such as structural, functional, and spatial information, amino acid conservation, physicochemical variation, residue mobility, and thermodynamic stability) performed at Invitae indicates that this missense variant is expected to disrupt COL4A5 protein function. This sequence change replaces glycine, which is neutral and non-polar, with serine, which is neutral and polar, at codon 1382 of the COL4A5 protein (p.Gly1382Ser). This variant is not present in population databases (gnomAD no frequency). This variant has not been reported in the literature in individuals affected with COL4A5-related conditions. This variant disrupts the triple helix domain of COL4A5. Glycine residues within the Gly-Xaa-Yaa repeats of the triple helix domain are required for the structure and stability of fibrillar collagens (PMID: 7695699, 8218237, 19344236). In COL4A5, missense variants at these glycine residues are significantly enriched in individuals with disease (PMID: 23720012, 27627812) compared to the general population (ExAC). In summary, the currently available evidence indicates that the variant is pathogenic, but additional data are needed to prove that conclusively. Therefore, this variant has been classified as Likely Pathogenic.

Victorian Clinical Genetics Services, Murdoch Childrens Research Institute
Classification: Uncertain significance for X-linked Alport syndrome. Last evaluated: 2022-09-02. Review status: criteria provided, single submitter. Criteria: ACMG Guidelines, 2015. Collection method: clinical testing. Allele origin: germline. Inheritance: X-linked dominant inheritance.
Comment: Based on the classification scheme VCGS_Germline_v1.3.4, this variant is classified as VUS-3A. Following criteria are met: 0103 - Dominant negative and loss of function are known mechanisms of disease in this gene and are associated with X-linked Alport syndrome 1 (MIM#301050). Dominant negative is caused mostly by glycine substitutions that affect the conformation of the protein, and loss of function can be caused by either protein truncating or missense variants (PMID: 24046192, 12028435). (I) 0110 - This gene is associated with X-linked dominant disease. Males are typically more severely affected than females (PMID: 19965530). (I) 0115 - Variants in this gene are known to have variable expressivity. There is intrafamilial variability among affected carrier females, possibly due to variable X-inactivation (PMID: 14514738). (I) 0200 - Variant is predicted to result in a missense amino acid change from glycine to serine. (I) 0253 - This variant is hemizygous. (I) 0301 - Variant is absent from gnomAD (both v2 and v3). (SP) 0501 - Missense variant consistently predicted to be damaging by multiple in silico tools or highly conserved with a major amino acid change. (SP) 0601 - Variant is located in the well-established functional glycine residue within a G-X-Y repeat motif (DECIPHER). (SP) 0705 - No comparable missense variants have previous evidence for pathogenicity. (I) 0809 - Previous evidence of pathogenicity for this variant is inconclusive. This variant has been classified as likely pathogenic however, it was observed in the 100,000 Genomes UK project in an individual without haematuria (PMID: 34400539). (I) 0905 - No published segregation evidence has been identified for this variant. (I) 1007 - No published functional evidence has been identified for this variant. (I) Legend: (SP) - Supporting pathogenic, (I) - Information, (SB) - Supporting benign

Literature cited by the submitters: PubMed 7695699 (cited by Labcorp Genetics (formerly Invitae), Labcorp); PubMed 8218237 (cited by Labcorp Genetics (formerly Invitae), Labcorp); PubMed 19344236 (cited by Labcorp Genetics (formerly Invitae), Labcorp); PubMed 23720012 (cited by Labcorp Genetics (formerly Invitae), Labcorp); PubMed 27627812 (cited by Labcorp Genetics (formerly Invitae), Labcorp); PubMed 12028435 (cited by Victorian Clinical Genetics Services, Murdoch Childrens Research Institute); PubMed 14514738 (cited by Victorian Clinical Genetics Services, Murdoch Childrens Research Institute); PubMed 19965530 (cited by Victorian Clinical Genetics Services, Murdoch Childrens Research Institute); PubMed 24046192 (cited by Victorian Clinical Genetics Services, Murdoch Childrens Research Institute); PubMed 34400539 (cited by Victorian Clinical Genetics Services, Murdoch Childrens Research Institute).

NM_033380.3(COL4A5):c.4162G>A (p.Gly1388Ser)

Gene: COL4A5 (collagen type IV alpha 5 chain; plus strand). Cytogenetic location: Xq22.3.
Variant type: single nucleotide variant.
Coding change: c.4162G>A on transcript NM_033380.3 (MANE Select); coding-DNA position 4162, G replaced by A.
Protein change: p.Gly1388Ser; replaces glycine 1388 with serine.
Molecular consequence: missense variant.
Genome position (GRCh38, 1-based): chrX:108,681,834, G>A. VCF-style: chrX-108681834-G-A. GRCh37 (hg19) VCF-style: chrX-107925064-G-A.
Other names: c.4162G>A (NM_033380.2); c.4144G>A, p.Gly1382Ser (NM_000495.5); short protein forms G1382S, G1388S.
Identifiers: ClinVar variation 2783771 (VCV002783771.4), dbSNP rs2524616692, ClinGen allele CA413852220.